The following is an entry in ClinVar:

NM_005896.4(IDH1):c.641C>G (p.Thr214Ser)

Gene: IDH1 (isocitrate dehydrogenase (NADP(+)) 1; minus strand). Cytogenetic location: 2q34.
Variant type: single nucleotide variant.
Coding change: c.641C>G on transcript NM_005896.4 (MANE Select); coding-DNA position 641, C replaced by G.
Protein change: p.Thr214Ser; replaces threonine 214 with serine.
Molecular consequence: missense variant.
Genome position (GRCh38, 1-based): chr2:208,243,484, G>C on the plus strand (C>G on the coding strand, the complement: IDH1 is on the minus strand). VCF-style: chr2-208243484-G-C. GRCh37 (hg19) VCF-style: chr2-209108208-G-C.
Other names: c.641C>G, p.Thr214Ser (NM_001282386.1, NM_001282387.1); short protein forms T214S.
Identifiers: ClinVar variation 1753422 (VCV001753422.2), dbSNP rs745329811, ClinGen allele CA2078949.

ClinVar aggregate classification (germline): Uncertain significance (1 of 4 stars; one submission).

Allele frequency attached by ClinVar (database versions not stated): TOPMed 0.00001; ExAC 0.00001.
gnomAD v4.1: 12 of 1,613,834 alleles (0.00074%); highest among the groups gnomAD compares: South Asian, 0.0022%; no homozygotes.

Submission:

Ambry Genetics
Classification: Uncertain significance. Last evaluated: 2022-08-03. Review status: criteria provided, single submitter. Criteria: Ambry Variant Classification Scheme 2023. Collection method: clinical testing. Allele origin: germline.
Comment: The p.T214S variant (also known as c.641C>G), located in coding exon 4 of the IDH1 gene, results from a C to G substitution at nucleotide position 641. The threonine at codon 214 is replaced by serine, an amino acid with similar properties. This amino acid position is conserved. In addition, the in silico prediction for this alteration is inconclusive. Since supporting evidence is limited at this time, the clinical significance of this alteration remains unclear.